The following is an entry in ClinVar:

NM_000218.3(KCNQ1):c.1591-4G>T

Gene: KCNQ1 (potassium voltage-gated channel subfamily Q member 1; plus strand). Cytogenetic location: 11p15.5.
Variant type: single nucleotide variant.
Coding change: c.1591-4G>T on transcript NM_000218.3 (MANE Select); 4 bases into the intron before coding-DNA position 1591, G replaced by T.
Molecular consequence: intron variant.
Genome position (GRCh38, 1-based): chr11:2,775,956, G>T. VCF-style: chr11-2775956-G-T. GRCh37 (hg19) VCF-style: chr11-2797186-G-T.
Other names: c.1321-4G>T (NM_001406837.1); c.1495-4G>T (NM_001406836.1); c.1051-4G>T (NM_001406838.1); c.1210-4G>T (NM_181798.2).
Identifiers: ClinVar variation 935176 (VCV000935176.6), dbSNP rs555518358, ClinGen allele CA1139661782.

ClinVar aggregate classification (germline): Uncertain significance. Review status: criteria provided, multiple submitters, no conflicts (2 of 4 stars). 3 submissions from 3 submitters: Uncertain significance (3). Last evaluated 2025-07-07.

Conditions:
Long QT syndrome (LQTS). Identifiers: MedGen C0023976, MeSH D008133, MONDO:0002442. Disease mechanism: loss of function. Inheritance: Various modes of inheritance.
Cardiac arrhythmia. Also called: Cardiac rhythm disease; Arrhythmia. Identifiers: MedGen C0003811, MONDO:0007263, HP:0011675.
Cardiovascular phenotype. Identifiers: MedGen CN230736.

gnomAD v4.1: 5 of 1,554,846 alleles (0.00032%); highest among the groups gnomAD compares: Non-Finnish European, 0.00035%; no homozygotes.

Submissions (3):

Color Diagnostics, LLC DBA Color Health
Classification: Uncertain significance for Cardiac arrhythmia. Last evaluated: 2025-07-07. Review status: criteria provided, single submitter. Criteria: ACMG Guidelines, 2015. Collection method: clinical testing. Allele origin: germline.
Comment: This variant causes a G to T nucleotide substitution at the -4 position of intron 12 of the KCNQ1 gene. To our knowledge, functional studies have not been reported for this variant. This variant has not been reported in individuals affected with KCNQ1-related disorders in the literature. This variant has not been identified in the general population by the Genome Aggregation Database (gnomAD). The available evidence is insufficient to determine the role of this variant in disease conclusively. Therefore, this variant is classified as a Variant of Uncertain Significance.

Ambry Genetics
Classification: Uncertain significance for Cardiovascular phenotype. Last evaluated: 2022-12-02. Review status: criteria provided, single submitter. Criteria: Ambry Variant Classification Scheme 2023. Collection method: clinical testing. Allele origin: germline.
Comment: The c.1591-4G>T intronic variant results from a G to T substitution 4 nucleotides upstream from coding exon 13 in the KCNQ1 gene. This nucleotide position is not well conserved in available vertebrate species. In silico splice site analysis for this alteration is inconclusive. Since supporting evidence is limited at this time, the clinical significance of this alteration remains unclear.

Labcorp Genetics (formerly Invitae), Labcorp
Classification: Uncertain significance for Long QT syndrome. Last evaluated: 2019-08-02. Review status: criteria provided, single submitter. Criteria: Invitae Variant Classification Sherloc (09022015). Collection method: clinical testing. Allele origin: germline.
Comment: This sequence change falls in intron 12 of the KCNQ1 gene. It does not directly change the encoded amino acid sequence of the KCNQ1 protein. This variant is not present in population databases (ExAC no frequency). This variant has not been reported in the literature in individuals with KCNQ1-related conditions. Algorithms developed to predict the effect of sequence changes on RNA splicing suggest that this variant may disrupt the consensus splice site, but this prediction has not been confirmed by published transcriptional studies. In summary, the available evidence is currently insufficient to determine the role of this variant in disease. Therefore, it has been classified as a Variant of Uncertain Significance.